The following is an entry in ClinVar:

ClinVar aggregate classification (germline): Uncertain significance (1 of 4 stars; one submission).

Conditions:
Spastic paraplegia. Identifiers: MedGen C0037772, HP:0001258.

gnomAD v4.1: 12 of 1,613,670 alleles (0.00074%); highest among the groups gnomAD compares: Middle Eastern, 0.016%; no homozygotes.

Submission:

Labcorp Genetics (formerly Invitae), Labcorp
Classification: Uncertain significance for Spastic paraplegia. Last evaluated: 2025-12-24. Review status: criteria provided, single submitter. Criteria: Invitae Variant Classification Sherloc (09022015). Collection method: clinical testing. Allele origin: germline.
Comment: This sequence change replaces arginine, which is basic and polar, with histidine, which is basic and polar, at codon 319 of the CYP7B1 protein (p.Arg319His). This variant is not present in population databases (gnomAD no frequency). This variant has not been reported in the literature in individuals affected with CYP7B1-related conditions. Invitae Evidence Modeling of protein sequence and biophysical properties (such as structural, functional, and spatial information, amino acid conservation, physicochemical variation, residue mobility, and thermodynamic stability) indicates that this missense variant is not expected to disrupt CYP7B1 protein function with a negative predictive value of 95%. In summary, the available evidence is currently insufficient to determine the role of this variant in disease. Therefore, it has been classified as a Variant of Uncertain Significance.

NM_004820.5(CYP7B1):c.956G>A (p.Arg319His)

Gene: CYP7B1 (cytochrome P450 family 7 subfamily B member 1; minus strand). Cytogenetic location: 8q12.3.
Variant type: single nucleotide variant.
Coding change: c.956G>A on transcript NM_004820.5 (MANE Select); coding-DNA position 956, G replaced by A.
Protein change: p.Arg319His; replaces arginine 319 with histidine.
Molecular consequence: missense variant.
Genome position (GRCh38, 1-based): chr8:64,615,127, C>T on the plus strand (G>A on the coding strand, the complement: CYP7B1 is on the minus strand). VCF-style: chr8-64615127-C-T. GRCh37 (hg19) VCF-style: chr8-65527684-C-T.
Other names: c.956G>A, p.Arg319His (NM_001324112.2); short protein forms R319H.
Identifiers: ClinVar variation 4752880 (VCV004752880.1).